The following is an entry in ClinVar:

ClinVar aggregate classification (germline): Uncertain significance (1 of 4 stars; one submission).

Submission:

Labcorp Genetics (formerly Invitae), Labcorp
Classification: Uncertain significance. Last evaluated: 2022-09-12. Review status: criteria provided, single submitter. Criteria: Invitae Variant Classification Sherloc (09022015). Collection method: clinical testing. Allele origin: germline.
Comment: This variant, c.250_252del, results in the deletion of 1 amino acid(s) of the LARS protein (p.Cys84del), but otherwise preserves the integrity of the reading frame. This variant is not present in population databases (gnomAD no frequency). This variant has not been reported in the literature in individuals affected with LARS-related conditions. Experimental studies and prediction algorithms are not available or were not evaluated, and the functional significance of this variant is currently unknown. In summary, the available evidence is currently insufficient to determine the role of this variant in disease. Therefore, it has been classified as a Variant of Uncertain Significance.

NM_020117.11(LARS1):c.247TGT[1] (p.Cys84del)

Gene: LARS1 (leucyl-tRNA synthetase 1; minus strand). Cytogenetic location: 5q32.
Variant type: Microsatellite.
Coding change: c.247TGT[1] on transcript NM_020117.11 (MANE Select); one copy of the 3-base unit TGT starting at c.247; the reference has two copies in a row; one copy, 3 bases deleted.
Protein change: p.Cys84del; deletes cysteine 84.
Molecular consequence: inframe deletion. On other transcripts: intron variant (1).
Genome position (GRCh38, 1-based): chr5:146,171,952-146,171,954, ACA deleted on the plus strand (TGT on the coding strand, the reverse complement: LARS1 is on the minus strand); deleting any 3 consecutive bases within chr5:146,171,952-146,171,957 gives the same sequence; the position shown is the placement nearest the transcript's 3' end. VCF-style (leftmost placement, unchanged base first): chr5-146171951-GACA-G. GRCh37 (hg19) VCF-style: chr5-145551514-GACA-G.
Other names: c.247TGT[1], p.Cys84del (NM_001317964.2); c.85TGT[1], p.Cys30del (NM_001317965.2); c.213+733_213+735del (NM_016460.4); short protein forms C30del, C84del.
Identifiers: ClinVar variation 1680397 (VCV001680397.6), dbSNP rs1459795880, ClinGen allele CA805202176.